The following is an entry in ClinVar:

NM_172362.3(KCNH1):c.1234A>G (p.Thr412Ala)

Gene: KCNH1 (potassium voltage-gated channel subfamily H member 1; minus strand). Cytogenetic location: 1q32.2.
Variant type: single nucleotide variant.
Coding change: c.1234A>G on transcript NM_172362.3 (MANE Select); coding-DNA position 1234, A replaced by G.
Protein change: p.Thr412Ala; replaces threonine 412 with alanine.
Molecular consequence: missense variant.
Genome position (GRCh38, 1-based): chr1:210,919,868, T>C on the plus strand (A>G on the coding strand, the complement: KCNH1 is on the minus strand). VCF-style: chr1-210919868-T-C. GRCh37 (hg19) VCF-style: chr1-211093210-T-C.
Other names: c.1153A>G, p.Thr385Ala (NM_002238.4); short protein forms T385A, T412A.
Identifiers: ClinVar variation 2998350 (VCV002998350.3), dbSNP rs2527120352, ClinGen allele CA344873479.

ClinVar aggregate classification (germline): Uncertain significance (1 of 4 stars; one submission).

Submission:

Labcorp Genetics (formerly Invitae), Labcorp
Classification: Uncertain significance. Last evaluated: 2023-06-15. Review status: criteria provided, single submitter. Criteria: Invitae Variant Classification Sherloc (09022015). Collection method: clinical testing. Allele origin: germline.
Comment: In summary, the available evidence is currently insufficient to determine the role of this variant in disease. Therefore, it has been classified as a Variant of Uncertain Significance. Advanced modeling of protein sequence and biophysical properties (such as structural, functional, and spatial information, amino acid conservation, physicochemical variation, residue mobility, and thermodynamic stability) has been performed at Invitae for this missense variant, however the output from this modeling did not meet the statistical confidence thresholds required to predict the impact of this variant on KCNH1 protein function. This variant has not been reported in the literature in individuals affected with KCNH1-related conditions. This variant is not present in population databases (gnomAD no frequency). This sequence change replaces threonine, which is neutral and polar, with alanine, which is neutral and non-polar, at codon 412 of the KCNH1 protein (p.Thr412Ala).